The following is an entry in ClinVar:

NM_001048174.2(MUTYH):c.1348C>G (p.Gln450Glu)

Gene: MUTYH (mutY DNA glycosylase; minus strand). Cytogenetic location: 1p34.1.
Variant type: single nucleotide variant.
Coding change: c.1348C>G on transcript NM_001048174.2 (MANE Select); coding-DNA position 1348, C replaced by G.
Protein change: p.Gln450Glu; replaces glutamine 450 with glutamic acid.
Molecular consequence: missense variant. On other transcripts: non-coding transcript variant (7).
Genome position (GRCh38, 1-based): chr1:45,331,226, G>C on the plus strand (C>G on the coding strand, the complement: MUTYH is on the minus strand). VCF-style: chr1-45331226-G-C. GRCh37 (hg19) VCF-style: chr1-45796898-G-C.
Other names: c.1348C>G, p.Gln450Glu (NM_001048171.2, NM_001048173.2, NM_001407070.1 and 6 more transcripts); c.1351C>G, p.Gln451Glu (NM_001048172.2, NM_001407071.1, NM_001407078.1 and 1 more transcripts); c.1264C>G, p.Gln422Glu (NM_001407075.1); c.1381C>G, p.Gln461Glu (NM_001407077.1, NM_001293191.2, NM_001407069.1); c.1309C>G, p.Gln437Glu (NM_001407079.1); c.1306C>G, p.Gln436Glu (NM_001407080.1); c.1432C>G, p.Gln478Glu (NM_001128425.2); c.1393C>G, p.Gln465Glu (NM_001293190.2); and 5 more; short protein forms Q358E, Q422E, Q465E, Q437E, Q451E, Q464E, Q478E, Q436E.
Identifiers: ClinVar variation 4113238 (VCV004113238.1).

ClinVar aggregate classification (germline): Uncertain significance (1 of 4 stars; one submission).

Conditions:
Hereditary cancer-predisposing syndrome. Also called: Tumor predisposition; Neoplastic Syndromes, Hereditary; Hereditary neoplastic syndrome; Hereditary Cancer Syndrome. Identifiers: Orphanet 140162, MedGen C0027672, MeSH D009386, MONDO:0015356.

Submission:

Ambry Genetics
Classification: Uncertain significance for Hereditary cancer-predisposing syndrome. Last evaluated: 2025-08-27. Review status: criteria provided, single submitter. Criteria: Ambry Variant Classification Scheme 2023. Collection method: clinical testing. Allele origin: germline.
Comment: The p.Q478E variant (also known as c.1432C>G), located in coding exon 14 of the MUTYH gene, results from a C to G substitution at nucleotide position 1432. The glutamine at codon 478 is replaced by glutamic acid, an amino acid with highly similar properties. This amino acid position is conserved. In addition, this alteration is predicted to be tolerated by in silico analysis. Based on the available evidence, the clinical significance of this variant remains unclear.